The following is an entry in ClinVar:

NM_000138.5(FBN1):c.1668G>A (p.Val556=)

Gene: FBN1 (fibrillin 1; minus strand). Cytogenetic location: 15q21.1.
Variant type: single nucleotide variant.
Coding change: c.1668G>A on transcript NM_000138.5 (MANE Select); coding-DNA position 1668, G replaced by A.
Protein change: p.Val556=; no amino-acid change (valine 556 retained).
Molecular consequence: synonymous variant.
Genome position (GRCh38, 1-based): chr15:48,510,090, C>T on the plus strand (G>A on the coding strand, the complement: FBN1 is on the minus strand). VCF-style: chr15-48510090-C-T. GRCh37 (hg19) VCF-style: chr15-48802287-C-T.
Identifiers: ClinVar variation 457165 (VCV000457165.52), dbSNP rs761662654, ClinGen allele CA045628.

ClinVar aggregate classification (germline): Conflicting classifications of pathogenicity. Review status: criteria provided, conflicting classifications (1 of 4 stars). 9 submissions from 9 submitters: Uncertain significance (1); Likely benign (8). Last evaluated 2025-11-17.

Conditions:
FBN1-related disorder. Also called: FBN1-related disorders.
Marfan syndrome (MFS). Also called: MARFAN SYNDROME, TYPE I; Marfan's syndrome; Marfan syndrome, classic; Marfan syndrome type 1; FBN1-Related Marfan Syndrome. Identifiers: Orphanet 284963, Orphanet 558, MedGen C0024796, MONDO:0007947, OMIM 154700.
Familial thoracic aortic aneurysm and aortic dissection (TAAD). Also called: Thoracic aortic aneurysms and dissections. Identifiers: Orphanet 91387, MedGen C4707243, MONDO:0019625.

Allele frequency attached by ClinVar (database versions not stated): ExAC 0.00002; gnomAD exomes 0.00002; gnomAD 0.00003; TOPMed 0.00003.
gnomAD v4.1: 33 of 1,613,362 alleles (0.002%); highest among the groups gnomAD compares: Non-Finnish European, 0.0025%; no homozygotes.

Submissions (9):

Labcorp Genetics (formerly Invitae), Labcorp
Classification: Likely benign for Marfan syndrome; Familial thoracic aortic aneurysm and aortic dissection. Last evaluated: 2025-11-17. Review status: criteria provided, single submitter. Criteria: Invitae Variant Classification Sherloc (09022015). Collection method: clinical testing. Allele origin: germline.

GeneDx
Classification: Uncertain significance. Last evaluated: 2025-11-11. Review status: criteria provided, single submitter. Criteria: GeneDx Variant Classification Process June 2021. Collection method: clinical testing. Allele origin: germline. Affected: yes.
Comment: In silico analysis suggests this variant may impact gene splicing. In the absence of RNA/functional studies, the actual effect of this sequence change is unknown.; Has not been previously published as pathogenic or benign to our knowledge

PreventionGenetics, part of Exact Sciences
Classification: Likely benign for FBN1-related condition. Last evaluated: 2025-09-10. Review status: criteria provided, single submitter. Criteria: ACMG Guidelines, 2015. Collection method: clinical testing. Allele origin: germline.
Comment: This variant is classified as likely benign based on ACMG/AMP sequence variant interpretation guidelines (Richards et al. 2015 PMID: 25741868, with internal and published modifications).

CeGaT Center for Human Genetics Tuebingen
Classification: Likely benign. Last evaluated: 2025-01-01. Review status: criteria provided, single submitter. Criteria: CeGaT Center For Human Genetics Tuebingen Variant Classification Criteria Version 2. Collection method: clinical testing. Allele origin: germline. Affected: yes. Observed: 5 variant alleles.
Comment: FBN1: BP4

Blueprint Genetics
Classification: Likely benign. Last evaluated: 2024-06-12. Review status: criteria provided, single submitter. Criteria: ACMG Guidelines, 2015. Collection method: clinical testing. Allele origin: germline.

All of Us Research Program, National Institutes of Health
Classification: Likely benign for Marfan syndrome. Last evaluated: 2023-12-13. Review status: criteria provided, single submitter. Criteria: ACMG Guidelines, 2015. Collection method: clinical testing. Allele origin: germline. Inheritance: Autosomal dominant inheritance. Observed: 13 variant alleles, 13 heterozygotes.
Comment: This study involves interpretation of variants in research participants for the purpose of population health screening. Participant phenotype was not available at the time of variant classification. Additional details can be found in publication PMID: 35346344, PMCID: PMC8962531

Women's Health and Genetics/Laboratory Corporation of America, LabCorp
Classification: Likely benign. Last evaluated: 2021-11-15. Review status: criteria provided, single submitter. Criteria: LabCorp Variant Classification Summary - May 2015. Collection method: clinical testing. Allele origin: germline.

Ambry Genetics
Classification: Likely benign for Familial thoracic aortic aneurysm and aortic dissection. Last evaluated: 2021-01-08. Review status: criteria provided, single submitter. Criteria: Ambry Variant Classification Scheme 2023. Collection method: clinical testing. Allele origin: germline.

Color Diagnostics, LLC DBA Color Health
Classification: Likely benign for Familial thoracic aortic aneurysm and aortic dissection. Last evaluated: 2018-11-09. Review status: criteria provided, single submitter. Criteria: ACMG Guidelines, 2015. Collection method: clinical testing. Allele origin: germline.